The following is an entry in ClinVar:

NM_006206.6(PDGFRA):c.3020T>A (p.Leu1007Gln)

Gene: PDGFRA (platelet derived growth factor receptor alpha; plus strand). Cytogenetic location: 4q12.
Variant type: single nucleotide variant.
Coding change: c.3020T>A on transcript NM_006206.6 (MANE Select); coding-DNA position 3020, T replaced by A.
Protein change: p.Leu1007Gln; replaces leucine 1007 with glutamine.
Molecular consequence: missense variant.
Genome position (GRCh38, 1-based): chr4:54,290,452, T>A. VCF-style: chr4-54290452-T-A. GRCh37 (hg19) VCF-style: chr4-55156619-T-A.
Other names: c.3095T>A, p.Leu1032Gln (NM_001347828.2); c.3020T>A, p.Leu1007Gln (NM_001347829.2); c.3059T>A, p.Leu1020Gln (NM_001347830.2); short protein forms L1007Q, L1020Q, L1032Q.
Identifiers: ClinVar variation 4825443 (VCV004825443.1).

ClinVar aggregate classification (germline): Uncertain significance (1 of 4 stars; one submission).

Conditions:
Hereditary cancer-predisposing syndrome. Also called: Neoplastic Syndromes, Hereditary; Tumor predisposition; Hereditary Cancer Syndrome; Hereditary neoplastic syndrome. Identifiers: Orphanet 140162, MedGen C0027672, MeSH D009386, MONDO:0015356.

Submission:

Ambry Genetics
Classification: Uncertain significance for Hereditary cancer-predisposing syndrome. Last evaluated: 2026-02-16. Review status: criteria provided, single submitter. Criteria: Ambry Variant Classification Scheme 2023. Collection method: clinical testing. Allele origin: germline.
Comment: The p.L1007Q variant (also known as c.3020T>A), located in coding exon 21 of the PDGFRA gene, results from a T to A substitution at nucleotide position 3020. The leucine at codon 1007 is replaced by glutamine, an amino acid with dissimilar properties. This amino acid position is not well conserved in available vertebrate species. In addition, this alteration is predicted to be tolerated by in silico analysis. Based on the available evidence, the clinical significance of this variant remains unclear.